The following is an entry in ClinVar:

ClinVar aggregate classification (germline): Uncertain significance (1 of 4 stars; one submission).

Conditions:
Hereditary cancer-predisposing syndrome. Also called: Hereditary neoplastic syndrome; Neoplastic Syndromes, Hereditary; Tumor predisposition; Hereditary Cancer Syndrome. Identifiers: Orphanet 140162, MedGen C0027672, MeSH D009386, MONDO:0015356.

Submission:

Ambry Genetics
Classification: Uncertain significance for Hereditary cancer-predisposing syndrome. Last evaluated: 2025-08-27. Review status: criteria provided, single submitter. Criteria: Ambry Variant Classification Scheme 2023. Collection method: clinical testing. Allele origin: germline.
Comment: The p.E73A variant (also known as c.218A>C), located in coding exon 3 of the MUTYH gene, results from an A to C substitution at nucleotide position 218. The glutamic acid at codon 73 is replaced by alanine, an amino acid with dissimilar properties. This amino acid position is conserved. In addition, this alteration is predicted to be tolerated by in silico analysis. Based on the available evidence, the clinical significance of this variant remains unclear.

NM_001048174.2(MUTYH):c.134A>C (p.Glu45Ala)

Gene: MUTYH (mutY DNA glycosylase; minus strand). Cytogenetic location: 1p34.1.
Variant type: single nucleotide variant.
Coding change: c.134A>C on transcript NM_001048174.2 (MANE Select); coding-DNA position 134, A replaced by C.
Protein change: p.Glu45Ala; replaces glutamic acid 45 with alanine.
Molecular consequence: missense variant. On other transcripts: 5 prime UTR variant (1), non-coding transcript variant (5), intron variant (5).
Genome position (GRCh38, 1-based): chr1:45,333,543, T>G on the plus strand (A>C on the coding strand, the complement: MUTYH is on the minus strand). VCF-style: chr1-45333543-T-G. GRCh37 (hg19) VCF-style: chr1-45799215-T-G.
Other names: c.134A>C, p.Glu45Ala (NM_001048171.2, NM_001048173.2, NM_001293195.2 and 6 more transcripts); c.137A>C, p.Glu46Ala (NM_001048172.2, NM_001407071.1, NM_001407078.1 and 2 more transcripts); c.218A>C, p.Glu73Ala (NM_001128425.2); c.179A>C, p.Glu60Ala (NM_001293190.2); c.167A>C, p.Glu56Ala (NM_001293191.2, NM_001407077.1); c.-138A>C (NM_001350650.2); c.209A>C, p.Glu70Ala (NM_001407069.1, NM_012222.3); c.176A>C, p.Glu59Ala (NM_001407073.1, NM_001407083.1, NM_001407085.1); and 4 more; short protein forms E45A, E46A, E56A, E60A, E52A, E59A, E70A, E17A.
Identifiers: ClinVar variation 4113512 (VCV004113512.1).